The following is an entry in ClinVar:

NC_000017.11:g.(?_42562392)_(42565988_?)del

Gene: COASY (Coenzyme A synthase; plus strand). Cytogenetic location: 17q21.2.
Variant type: Deletion.
Identifiers: ClinVar variation 832522 (VCV000832522.3).

ClinVar aggregate classification (germline): Pathogenic (1 of 4 stars; one submission).

Conditions:
Neurodegeneration with brain iron accumulation 6 (NBIA6). Also called: COASY protein-associated neurodegeneration. Identifiers: Orphanet 397725, MedGen C4517377, MONDO:0014290, OMIM 615643.

Submission:

Labcorp Genetics (formerly Invitae), Labcorp
Classification: Pathogenic for Neurodegeneration with brain iron accumulation 6. Last evaluated: 2019-11-27. Review status: criteria provided, single submitter. Criteria: Invitae Variant Classification Sherloc (09022015). Collection method: clinical testing. Allele origin: germline.
Comment: For these reasons, this variant has been classified as Pathogenic. Loss-of-function variants in COASY are known to be pathogenic (PMID: 24360804, 30089828). This variant has not been reported in the literature in individuals with COASY-related conditions. A gross deletion of the genomic region encompassing the full coding sequence of the COASY gene has been identified. The boundaries of this event are unknown as the deletion extends beyond the assayed region for this gene and therefore may encompass additional genes.

Literature cited by the submitters: PubMed 24360804; PubMed 30089828.